The following is an entry in ClinVar:

NM_006231.4(POLE):c.1596C>T (p.His532=)

Gene: POLE (DNA polymerase epsilon, catalytic subunit; minus strand). Cytogenetic location: 12q24.33.
Variant type: single nucleotide variant.
Coding change: c.1596C>T on transcript NM_006231.4 (MANE Select); coding-DNA position 1596, C replaced by T.
Protein change: p.His532=; no amino-acid change (histidine 532 retained).
Molecular consequence: synonymous variant.
Genome position (GRCh38, 1-based): chr12:132,672,717, G>A on the plus strand (C>T on the coding strand, the complement: POLE is on the minus strand). VCF-style: chr12-132672717-G-A. GRCh37 (hg19) VCF-style: chr12-133249303-G-A.
Identifiers: ClinVar variation 383162 (VCV000383162.37), dbSNP rs114978673, ClinGen allele CA6893902.

ClinVar aggregate classification (germline): Likely benign. Review status: criteria provided, multiple submitters, no conflicts (2 of 4 stars). 5 submissions from 5 submitters: Likely benign (5). Last evaluated 2026-01-06.

Conditions:
Hereditary cancer-predisposing syndrome. Also called: Neoplastic Syndromes, Hereditary; Hereditary neoplastic syndrome; Tumor predisposition; Hereditary Cancer Syndrome. Identifiers: Orphanet 140162, MedGen C0027672, MeSH D009386, MONDO:0015356.

Allele frequency attached by ClinVar (database versions not stated): TOPMed 0.00002; gnomAD 0.00003; gnomAD exomes 0.00003 and 0.00008; ExAC 0.00005; 1000 Genomes Project 30x 0.00016; 1000 Genomes Project 0.00020.
gnomAD v4.1: 121 of 1,614,162 alleles (0.0075%); highest among the groups gnomAD compares: Non-Finnish European, 0.0098%; no homozygotes.

Submissions (5):

Labcorp Genetics (formerly Invitae), Labcorp
Classification: Likely benign. Last evaluated: 2026-01-06. Review status: criteria provided, single submitter. Criteria: Invitae Variant Classification Sherloc (09022015). Collection method: clinical testing. Allele origin: germline.

CeGaT Center for Human Genetics Tuebingen
Classification: Likely benign. Last evaluated: 2024-06-01. Review status: criteria provided, single submitter. Criteria: CeGaT Center For Human Genetics Tuebingen Variant Classification Criteria Version 2. Collection method: clinical testing. Allele origin: germline. Affected: yes. Observed: 2 variant alleles.
Comment: POLE: BP4, BP7

Women's Health and Genetics/Laboratory Corporation of America, LabCorp
Classification: Likely benign. Last evaluated: 2022-02-14. Review status: criteria provided, single submitter. Criteria: LabCorp Variant Classification Summary - May 2015. Collection method: clinical testing. Allele origin: germline.

GeneDx
Classification: Likely benign. Last evaluated: 2019-09-09. Review status: criteria provided, single submitter. Criteria: GeneDx Variant Classification Process June 2021. Collection method: clinical testing. Allele origin: germline. Affected: yes.

Ambry Genetics
Classification: Likely benign for Hereditary cancer-predisposing syndrome. Last evaluated: 2016-11-04. Review status: criteria provided, single submitter. Criteria: Ambry Variant Classification Scheme 2023. Collection method: clinical testing. Allele origin: germline.